The following is an entry in ClinVar:

ClinVar aggregate classification (germline): Uncertain significance. Review status: criteria provided, multiple submitters, no conflicts (2 of 4 stars). 4 submissions from 4 submitters: Uncertain significance (4). Last evaluated 2026-04-01.

Conditions:
Hypertrophic cardiomyopathy 9. Also called: Familial hypertrophic cardiomyopathy 9. Identifiers: MedGen C1861065, MONDO:0013412, OMIM 613765.
Autosomal recessive limb-girdle muscular dystrophy type 2J (LGMDR10). Also called: MUSCULAR DYSTROPHY, LIMB-GIRDLE, AUTOSOMAL RECESSIVE 10; Limb-girdle muscular dystrophy, type 2J. Identifiers: Orphanet 140922, MedGen C1837342, MONDO:0012127, OMIM 608807.
Tibial muscular dystrophy (TMD). Also called: UDD MYOPATHY; Udd Distal Myopathy – Tibial Muscular Dystrophy; Tibial muscular dystrophy, tardive. Identifiers: Orphanet 609, MedGen C1838244, MONDO:0010870, OMIM 600334.
Early-onset myopathy with fatal cardiomyopathy (CMYO5). Also called: CONGENITAL MYOPATHY 5 WITH CARDIOMYOPATHY; Salih Myopathy. Identifiers: Orphanet 289377, MedGen C2673677, MONDO:0012714, OMIM 611705. Disease mechanism: loss of function.
Myopathy, myofibrillar, 9, with early respiratory failure (MFM9). Also called: Myopathy, distal, with early respiratory failure, autosomal dominant; MYOPATHY, PROXIMAL, WITH EARLY RESPIRATORY MUSCLE INVOLVEMENT; Hereditary myopathy with early respiratory failure; EDSTROM MYOPATHY. Identifiers: Orphanet 178464, Orphanet 34521, MedGen C1863599, MONDO:0011362, OMIM 603689.
Dilated cardiomyopathy 1G (CMD1G). Identifiers: Orphanet 154, MedGen C1858763, MONDO:0011400, OMIM 604145.

Allele frequency attached by ClinVar (database versions not stated): gnomAD 0.00001; gnomAD exomes 0.00001 and below 0.00001.
gnomAD v4.1: 6 of 1,608,160 alleles (0.00037%); highest among the groups gnomAD compares: Middle Eastern, 0.05%; no homozygotes.

Submissions (4):

CeGaT Center for Human Genetics Tuebingen
Classification: Uncertain significance. Last evaluated: 2026-04-01. Review status: criteria provided, single submitter. Criteria: CeGaT Center For Human Genetics Tuebingen Variant Classification Criteria Version 2. Collection method: clinical testing. Allele origin: germline. Affected: yes. Observed: 2 variant alleles.
Comment: TTN: PM2, BP4

Women's Health and Genetics/Laboratory Corporation of America, LabCorp
Classification: Uncertain significance. Last evaluated: 2025-11-14. Review status: criteria provided, single submitter. Criteria: LabCorp Variant Classification Summary - May 2015. Collection method: clinical testing. Allele origin: germline.

Fulgent Genetics
Classification: Uncertain significance for Tibial muscular dystrophy; Myopathy, myofibrillar, 9, with early respiratory failure; Dilated cardiomyopathy 1G; Autosomal recessive limb-girdle muscular dystrophy type 2J; Early-onset myopathy with fatal cardiomyopathy; Hypertrophic cardiomyopathy 9. Last evaluated: 2021-10-08. Review status: criteria provided, single submitter. Criteria: ACMG Guidelines, 2015. Collection method: clinical testing. Allele origin: unknown.

Eurofins Ntd Llc (ga)
Classification: Uncertain significance. Last evaluated: 2017-09-19. Review status: criteria provided, single submitter. Criteria: EGL Classification Definitions 2015. Collection method: clinical testing. Allele origin: germline. Observed: 1 variant allele, 1 heterozygote.

NM_001267550.2(TTN):c.30608C>G (p.Pro10203Arg)

Gene: TTN (titin; minus strand). Cytogenetic location: 2q31.2.
Variant type: single nucleotide variant.
Coding change: c.30608C>G on transcript NM_001267550.2 (MANE Select); coding-DNA position 30608, C replaced by G.
Protein change: p.Pro10203Arg; replaces proline 10203 with arginine.
Molecular consequence: missense variant. On other transcripts: intron variant (3).
Genome position (GRCh38, 1-based): chr2:178,701,194, G>C on the plus strand (C>G on the coding strand, the complement: TTN is on the minus strand). VCF-style: chr2-178701194-G-C. GRCh37 (hg19) VCF-style: chr2-179565921-G-C.
Other names: c.29657C>G, p.Pro9886Arg (NM_001256850.1); c.26876C>G, p.Pro8959Arg (NM_133378.4); c.13282+36888C>G (NM_003319.4); c.13858+36888C>G (NM_133437.4); c.13657+36888C>G (NM_133432.3); short protein forms P10203R, P8959R, P9886R.
Identifiers: ClinVar variation 594112 (VCV000594112.48), dbSNP rs1344215902, ClinGen allele CA349567479.